The following is an entry in ClinVar:

NM_019616.4(F7):c.1085C>T (p.Thr362Met)

Gene: F7 (coagulation factor VII; plus strand). Cytogenetic location: 13q34.
Variant type: single nucleotide variant.
Coding change: c.1085C>T on transcript NM_019616.4 (MANE Select); coding-DNA position 1085, C replaced by T.
Protein change: p.Thr362Met; replaces threonine 362 with methionine.
Molecular consequence: missense variant. On other transcripts: non-coding transcript variant (1).
Genome position (GRCh38, 1-based): chr13:113,118,758, C>T. VCF-style: chr13-113118758-C-T. GRCh37 (hg19) VCF-style: chr13-113773072-C-T.
Other names: c.1151C>T, p.Thr384Met (NM_000131.5); c.899C>T, p.Thr300Met (NM_001267554.2); short protein forms T362M, T384M, T300M.
Identifiers: ClinVar variation 420160 (VCV000420160.16), dbSNP rs531225271, ClinGen allele CA7060229.
Genomic context (GRCh38, chr13:113,118,758, plus strand): 5'-GGCTGATGACCCAGGACTGCCTGCAGCAGTCACGGAAGGTGGGAGACTCCCCAAATATCA[C>T]GGAGTACATGTTCTGTGCCGGCTACTCGGATGGCAGCAAGGACTCCTGCAAGGGGGACAG-3'
Protein context (NP_062562.1, residues 352-372): SRKVGDSPNI[Thr362Met]EYMFCAGYSD

ClinVar aggregate classification (germline): Pathogenic/Likely pathogenic. Review status: criteria provided, multiple submitters, no conflicts (2 of 4 stars). 8 submissions from 8 submitters: Pathogenic (1); Likely pathogenic (6). 1 of the submissions does not count toward it. Last evaluated 2026-09-18.

Conditions:
Congenital factor VII deficiency. Identifiers: Orphanet 327, MedGen C0272320, MONDO:0009211, OMIM 227500.
Myocardial infarction, susceptibility to. Identifiers: MedGen C1832662, MONDO:0012039, OMIM 608446.
F7-related disorder. Also called: F7-related condition.
Factor VII deficiency. Also called: Factor 7 deficiency; F7 DEFICIENCY; HYPOPROCONVERTINEMIA. Identifiers: MedGen C0015503, MeSH D005168, MONDO:0002244.

Allele frequency attached by ClinVar (database versions not stated): gnomAD 0.00008 and 0.00009; ExAC 0.00011; 1000 Genomes Project 30x 0.00016; TOPMed 0.00016; 1000 Genomes Project 0.00020.
gnomAD v4.1: 98 of 1,613,130 alleles (0.0061%); highest among the groups gnomAD compares: South Asian, 0.054%; no homozygotes.

Submissions (8):

GeneDx
Classification: Likely pathogenic. Last evaluated: 2026-09-18. Review status: criteria provided, single submitter. Criteria: GeneDx Variant Classification Process June 2021. Collection method: clinical testing. Allele origin: germline.
Comment: In silico analysis supports that this missense variant has a deleterious effect on protein structure/function; Also known as T324M; This variant is associated with the following publications: (PMID: 40748016, 18976247, 25275492, 25828579, 19751712, 31589614, 32396910, 36073900, 27227566, 37647632, 28447100, 22327826, 36951360, 38202056, 40421903, Gupta2025[casereport])

Fulgent Genetics
Classification: Likely pathogenic for Congenital factor VII deficiency; Myocardial infarction, susceptibility to. Last evaluated: 2024-05-25. Review status: criteria provided, single submitter. Criteria: ACMG Guidelines, 2015. Collection method: clinical testing. Allele origin: germline.

Genomic Medicine Center of Excellence, King Faisal Specialist Hospital and Research Centre
Classification: Likely pathogenic for Congenital factor VII deficiency. Last evaluated: 2024-03-29. Review status: criteria provided, single submitter. Criteria: ACMG Guidelines, 2015. Collection method: clinical testing. Allele origin: germline.

Baylor Genetics
Classification: Pathogenic for Congenital factor VII deficiency. Last evaluated: 2023-02-09. Review status: criteria provided, single submitter. Criteria: ACMG Guidelines, 2015. Collection method: clinical testing. Allele origin: unknown.

Mayo Clinic Laboratories, Mayo Clinic
Classification: Likely pathogenic. Last evaluated: 2020-04-06. Review status: criteria provided, single submitter. Criteria: ACMG Guidelines, 2015. Collection method: clinical testing. Allele origin: germline. Observed: 1 variant allele.
Comment: PM1, PM2, PP3, PP5

ISTH-SSC Genomics in Thrombosis and Hemostasis, KU Leuven, Center for Molecular and Vascular Biology
Classification: Likely pathogenic for Congenital factor VII deficiency. Review status: criteria provided, single submitter. Criteria: ACMG Guidelines, 2015. Collection method: clinical testing. Allele origin: germline. Affected: yes. Observed: 1 heterozygote.
Comment: Submitted to the GoldVariant database by Kathleen Freson, Center for Molecular and Vascular Biology

UNC Molecular Genetics  Laboratory, University of North Carolina at Chapel Hill
Classification: Likely pathogenic for Factor VII deficiency. Review status: criteria provided, single submitter. Criteria: ACMG Guidelines, 2015. Collection method: research. Allele origin: germline. Affected: no. Observed: 1 variant allele. Study: NSIGHT-NC NEXUS.
Comment: The F7 (p.T384M) (also called p.T324M) variant has previously been reported in factor VII deficiency (PMID: 19751712; 25828579; 18976247).

carrier finding

PreventionGenetics, part of Exact Sciences
Classification: Likely pathogenic for F7-related condition. Last evaluated: 2024-03-25. Review status: no assertion criteria provided. Collection method: clinical testing. Allele origin: germline. Not counted in ClinVar's aggregate classification.
Comment: The F7 c.1151C>T variant is predicted to result in the amino acid substitution p.Thr384Met. This variant has also been described in the literature as p.Thr324Met. This variant has been reported in a cohort of individuals with factor VII deficiency (Herrmann et al. 2009. PubMed ID: 18976247). A second study showed that two individuals homozygous for this variant had moderately deficient levels of factor VII and were clinically asymptomatic (Patient 8 and 9, Mota et al. 2009. PubMed ID: 19751712). A synonymous variant at the same position c.1152G>A (p.Thr384Thr) and several additional variants in neighboring residues have been associated with factor VII deficiency (p.Met387Val, p.Met387Thr, p.Met387Ile, p.Phe388Tyr and p.Phe388Ser) (Herrmann et al. 2009. PubMed ID: 18976247; Table 1, Giansily-Blaizot et al. 2001. PubMed ID: 11313743; Elmahmoudi et al. 2012. PubMed ID: 22873696; Bharadwaj et al. 1996. PubMed ID: 8940045). This variant is reported in 0.049% of alleles in individuals of South Asian descent in gnomAD. This variant is interpreted as likely pathogenic.

Literature cited by the submitters: PubMed 27227566 (cited by Mayo Clinic Laboratories, Mayo Clinic); PubMed 28447100 (cited by Mayo Clinic Laboratories, Mayo Clinic); PubMed 22327826 (cited by Mayo Clinic Laboratories, Mayo Clinic); PubMed 19751712 (cited by Mayo Clinic Laboratories, Mayo Clinic and UNC Molecular Genetics  Laboratory, University of North Carolina at Chapel Hill); PubMed 25828579 (cited by UNC Molecular Genetics  Laboratory, University of North Carolina at Chapel Hill); PubMed 18976247 (cited by UNC Molecular Genetics  Laboratory, University of North Carolina at Chapel Hill).